The following is an entry in ClinVar:

ClinVar aggregate classification (germline): Uncertain significance (1 of 4 stars; one submission).

Conditions:
Hereditary cancer-predisposing syndrome. Also called: Neoplastic Syndromes, Hereditary; Tumor predisposition; Hereditary Cancer Syndrome; Hereditary neoplastic syndrome. Identifiers: Orphanet 140162, MedGen C0027672, MeSH D009386, MONDO:0015356.

Submission:

Ambry Genetics
Classification: Uncertain significance for Hereditary cancer-predisposing syndrome. Last evaluated: 2026-04-20. Review status: criteria provided, single submitter. Criteria: Ambry Variant Classification Scheme 2023. Collection method: clinical testing. Allele origin: germline.
Comment: The p.I37M variant (also known as c.111T>G), located in coding exon 1 of the DICER1 gene, results from a T to G substitution at nucleotide position 111. The isoleucine at codon 37 is replaced by methionine, an amino acid with highly similar properties. This amino acid position is conserved. In addition, the in silico prediction for this alteration is inconclusive. Based on the available evidence, the clinical significance of this variant remains unclear.

NM_177438.3(DICER1):c.111T>G (p.Ile37Met)

Gene: DICER1 (dicer 1, ribonuclease III; minus strand). Cytogenetic location: 14q32.13.
Variant type: single nucleotide variant.
Coding change: c.111T>G on transcript NM_177438.3 (MANE Select); coding-DNA position 111, T replaced by G.
Protein change: p.Ile37Met; replaces isoleucine 37 with methionine.
Molecular consequence: missense variant. On other transcripts: 5 prime UTR variant (8), non-coding transcript variant (6), intron variant (1).
Genome position (GRCh38, 1-based): chr14:95,133,348, A>C on the plus strand (T>G on the coding strand, the complement: DICER1 is on the minus strand). VCF-style: chr14-95133348-A-C. GRCh37 (hg19) VCF-style: chr14-95599685-A-C.
Other names: c.111T>G, p.Ile37Met (NM_001291628.2, NM_001395677.1, NM_001395678.1 and 14 more transcripts); c.-164T>G (NM_001395686.1, NM_001395688.1, NM_001395689.1 and 3 more transcripts); c.-348T>G (NM_001395691.1); c.-1458T>G (NM_001395697.1); c.-130-671T>G (NM_001395687.1); short protein forms I37M.
Identifiers: ClinVar variation 4869766 (VCV004869766.1).